The following is an entry in ClinVar:

NM_182641.4(BPTF):c.1865-5617C>G

Gene: BPTF (bromodomain PHD finger transcription factor; plus strand). Cytogenetic location: 17q24.2.
Variant type: single nucleotide variant.
Coding change: c.1865-5617C>G on transcript NM_182641.4 (MANE Select); 5617 bases into the intron before coding-DNA position 1865, C replaced by G.
Molecular consequence: intron variant. On other transcripts: missense variant (1).
Genome position (GRCh38, 1-based): chr17:67,886,227, C>G. VCF-style: chr17-67886227-C-G. GRCh37 (hg19) VCF-style: chr17-65882343-C-G.
Other names: c.2153C>G, p.Ser718Cys (NM_004459.7); short protein forms S718C.
Identifiers: ClinVar variation 3391600 (VCV003391600.1).

ClinVar aggregate classification (germline): Uncertain significance (1 of 4 stars; one submission).

gnomAD v4.1: 1 of 1,613,924 alleles (0.000062%); highest among the groups gnomAD compares: African/African-American, 0.0013%; no homozygotes.

Submission:

GeneDx
Classification: Uncertain significance. Last evaluated: 2024-06-18. Review status: criteria provided, single submitter. Criteria: GeneDx Variant Classification Process June 2021. Collection method: clinical testing. Allele origin: germline. Affected: yes.
Comment: Not observed at significant frequency in large population cohorts (gnomAD); In silico analysis indicates that this missense variant does not alter protein structure/function; Has not been previously published as pathogenic or benign to our knowledge